The following is an entry in ClinVar:

NM_004985.5(KRAS):c.326T>C (p.Val109Ala)

Gene: KRAS (KRAS proto-oncogene, GTPase; minus strand). Cytogenetic location: 12p12.1.
Variant type: single nucleotide variant.
Coding change: c.326T>C on transcript NM_004985.5 (MANE Select); coding-DNA position 326, T replaced by C.
Protein change: p.Val109Ala; replaces valine 109 with alanine.
Molecular consequence: missense variant.
Genome position (GRCh38, 1-based): chr12:25,225,738, A>G on the plus strand (T>C on the coding strand, the complement: KRAS is on the minus strand). VCF-style: chr12-25225738-A-G. GRCh37 (hg19) VCF-style: chr12-25378672-A-G.
Other names: c.326T>C, p.Val109Ala (NM_001369786.1, NM_001369787.1, NM_033360.4); short protein forms V109A.
Identifiers: ClinVar variation 4801161 (VCV004801161.1).
Genomic context (GRCh38, chr12:25,225,738, plus strand): 5'-TGTTTTGTGTCTACTGTTCTAGAAGGCAAATCACATTTATTTCCTACTAGGACCATAGGT[A>G]CATCTTCAGAGTCCTTAACTCTTTTAATTTGTTCTCTGGGAAAGAAAAAAAAGTTATAGC-3'
Protein context (NP_004976.2, residues 99-119): QIKRVKDSED[Val109Ala]PMVLVGNKCD

ClinVar aggregate classification (germline): Uncertain significance (1 of 4 stars; one submission).

Conditions:
RASopathy. Also called: rasopathies; Noonan spectrum disorder. Identifiers: Orphanet 536391, MedGen C5555857, MONDO:0021060.

Submission:

Labcorp Genetics (formerly Invitae), Labcorp
Classification: Uncertain significance for RASopathy. Last evaluated: 2025-09-19. Review status: criteria provided, single submitter. Criteria: Invitae Variant Classification Sherloc (09022015). Collection method: clinical testing. Allele origin: germline.
Comment: This sequence change replaces valine, which is neutral and non-polar, with alanine, which is neutral and non-polar, at codon 109 of the KRAS protein (p.Val109Ala). This variant is not present in population databases (gnomAD no frequency). This variant has not been reported in the literature in individuals affected with KRAS-related conditions. Invitae Evidence Modeling of protein sequence and biophysical properties (such as structural, functional, and spatial information, amino acid conservation, physicochemical variation, residue mobility, and thermodynamic stability) indicates that this missense variant is expected to disrupt KRAS protein function with a positive predictive value of 95%. In summary, the available evidence is currently insufficient to determine the role of this variant in disease. Therefore, it has been classified as a Variant of Uncertain Significance.